The following is an entry in ClinVar:

NM_030912.3(TRIM8):c.1192G>A (p.Gly398Ser)

Gene: TRIM8 (tripartite motif containing 8; plus strand). Cytogenetic location: 10q24.32.
Variant type: single nucleotide variant.
Coding change: c.1192G>A on transcript NM_030912.3 (MANE Select); coding-DNA position 1192, G replaced by A.
Protein change: p.Gly398Ser; replaces glycine 398 with serine.
Molecular consequence: missense variant. On other transcripts: non-coding transcript variant (1).
Genome position (GRCh38, 1-based): chr10:102,656,890, G>A. VCF-style: chr10-102656890-G-A. GRCh37 (hg19) VCF-style: chr10-104416647-G-A.
Other names: c.1096G>A, p.Gly366Ser (NM_001345950.1); short protein forms G366S, G398S.
Identifiers: ClinVar variation 2052866 (VCV002052866.31), dbSNP rs61758111, ClinGen allele CA5668276.

ClinVar aggregate classification (germline): Benign/Likely benign. Review status: criteria provided, multiple submitters, no conflicts (2 of 4 stars). 5 submissions from 5 submitters: Benign (1); Likely benign (3). 1 of the submissions does not count toward it. Last evaluated 2025-12-22.

Conditions:
Inborn genetic diseases. Identifiers: MedGen C0950123, MeSH D030342.
TRIM8-related disorder. Also called: TRIM8-related condition.

Allele frequency attached by ClinVar (database versions not stated): ESP Exome Variant Server 0.00015; gnomAD 0.00019; TOPMed 0.00029; ExAC 0.00051.
gnomAD v4.1: 732 of 1,580,338 alleles (0.046%); highest among the groups gnomAD compares: Non-Finnish European, 0.06%; no homozygotes.

Submissions (5):

Labcorp Genetics (formerly Invitae), Labcorp
Classification: Benign. Last evaluated: 2025-12-22. Review status: criteria provided, single submitter. Criteria: Invitae Variant Classification Sherloc (09022015). Collection method: clinical testing. Allele origin: germline.

Blueprint Genetics
Classification: Likely benign. Last evaluated: 2024-09-07. Review status: criteria provided, single submitter. Criteria: ACMG Guidelines, 2015. Collection method: clinical testing. Allele origin: germline.

CeGaT Center for Human Genetics Tuebingen
Classification: Likely benign. Last evaluated: 2022-11-01. Review status: criteria provided, single submitter. Criteria: CeGaT Center For Human Genetics Tuebingen Variant Classification Criteria Version 2. Collection method: clinical testing. Allele origin: germline. Affected: yes. Observed: 1 variant allele.
Comment: TRIM8: BP4

Ambry Genetics
Classification: Likely benign for Inborn genetic diseases. Last evaluated: 2022-01-19. Review status: criteria provided, single submitter. Criteria: Ambry Variant Classification Scheme 2023. Collection method: clinical testing. Allele origin: germline.

PreventionGenetics, part of Exact Sciences
Classification: Likely benign for TRIM8-related condition. Last evaluated: 2023-01-27. Review status: no assertion criteria provided. Collection method: clinical testing. Allele origin: germline. Not counted in ClinVar's aggregate classification.
Comment: This variant is classified as likely benign based on ACMG/AMP sequence variant interpretation guidelines (Richards et al. 2015 PMID: 25741868, with internal and published modifications).